The following is an entry in ClinVar:

ClinVar aggregate classification (germline): Uncertain significance (1 of 4 stars; one submission).

gnomAD v4.1: 3 of 1,614,102 alleles (0.00019%); highest among the groups gnomAD compares: South Asian, 0.0011%; no homozygotes.

Submission:

Greenwood Genetic Center Diagnostic Laboratories, Greenwood Genetic Center
Classification: Uncertain significance. Last evaluated: 2025-03-24. Review status: criteria provided, single submitter. Criteria: ACMG Guidelines, 2015. Collection method: clinical testing. Allele origin: germline.
Comment: PM2, BP4, PP2

NM_000081.4(LYST):c.2558A>G (p.His853Arg)

Gene: LYST (lysosomal trafficking regulator; minus strand). Cytogenetic location: 1q42.3.
Variant type: single nucleotide variant.
Coding change: c.2558A>G on transcript NM_000081.4 (MANE Select); coding-DNA position 2558, A replaced by G.
Protein change: p.His853Arg; replaces histidine 853 with arginine.
Molecular consequence: missense variant.
Genome position (GRCh38, 1-based): chr1:235,806,578, T>C on the plus strand (A>G on the coding strand, the complement: LYST is on the minus strand). VCF-style: chr1-235806578-T-C. GRCh37 (hg19) VCF-style: chr1-235969878-T-C.
Other names: c.2558A>G, p.His853Arg (NM_001301365.1); short protein forms H853R.
Identifiers: ClinVar variation 4851731 (VCV004851731.1).
Genomic context (GRCh38, chr1:235,806,578, plus strand): 5'-TTGCTGAGACTCTGAGGAGAATCTGAATAAGCTTGCTGATGATGAAAAGAAGTACCCACA[T>C]GTACAGAGGACAACTCCTTCTGTTCAATGTCTATCCCATCAATATCTGGAACTGAGGCAT-3'
Protein context (NP_000072.2, residues 843-863): DIEQKELSSV[His853Arg]VGTSFHHQQA